The following is an entry in ClinVar:

ClinVar aggregate classification (germline): Uncertain significance. Review status: criteria provided, multiple submitters, no conflicts (2 of 4 stars). 2 submissions from 2 submitters: Uncertain significance (2). Last evaluated 2023-06-29.

Allele frequency attached by ClinVar (database versions not stated): TOPMed below 0.00001; gnomAD exomes 0.00001 and 0.00003; gnomAD 0.00002; ExAC 0.00003.

Submissions (2):

Labcorp Genetics (formerly Invitae), Labcorp
Classification: Uncertain significance. Last evaluated: 2023-06-29. Review status: criteria provided, single submitter. Criteria: Invitae Variant Classification Sherloc (09022015). Collection method: clinical testing. Allele origin: germline.
Comment: In summary, the available evidence is currently insufficient to determine the role of this variant in disease. Therefore, it has been classified as a Variant of Uncertain Significance. An algorithm developed to predict the effect of missense changes on protein structure and function (PolyPhen-2) suggests that this variant is likely to be disruptive. ClinVar contains an entry for this variant (Variation ID: 1396089). This variant has not been reported in the literature in individuals affected with COQ7-related conditions. This variant is present in population databases (rs777014954, gnomAD 0.02%). This sequence change replaces alanine, which is neutral and non-polar, with valine, which is neutral and non-polar, at codon 140 of the COQ7 protein (p.Ala140Val).

Blueprint Genetics
Classification: Uncertain significance. Last evaluated: 2020-02-05. Review status: criteria provided, single submitter. Criteria: ACMG Guidelines, 2015. Collection method: clinical testing. Allele origin: germline.

NM_016138.5(COQ7):c.419C>T (p.Ala140Val)

Gene: COQ7 (coenzyme Q7, hydroxylase; plus strand). Cytogenetic location: 16p12.3.
Variant type: single nucleotide variant.
Coding change: c.419C>T on transcript NM_016138.5 (MANE Select); coding-DNA position 419, C replaced by T.
Protein change: p.Ala140Val; replaces alanine 140 with valine.
Molecular consequence: missense variant. On other transcripts: non-coding transcript variant (3).
Genome position (GRCh38, 1-based): chr16:19,075,772, C>T. VCF-style: chr16-19075772-C-T. GRCh37 (hg19) VCF-style: chr16-19087094-C-T.
Other names: c.305C>T, p.Ala102Val (NM_001190983.2, NM_001370492.1, NM_001370493.1 and 2 more transcripts); c.377C>T, p.Ala126Val (NM_001370489.1, NM_001370491.1); c.419C>T, p.Ala140Val (NM_001370490.1); short protein forms A102V, A126V, A140V.
Identifiers: ClinVar variation 1396089 (VCV001396089.8), dbSNP rs777014954, ClinGen allele CA7933018.
Genomic context (GRCh38, chr16:19,075,772, plus strand): 5'-CAATCCCAGGGGCGGGGACCGCCTTGCTCGGGAAGGAAGGTGCCATGGCCTGCACCGTGG[C>T]GGTGGAAGAGAGCATAGCACATCACTACAACAACCAGATCAGGACGCTGATGGAGGAGGA-3'
Protein context (NP_057222.2, residues 130-150): GKEGAMACTV[Ala140Val]VEESIAHHYN